The following is an entry in ClinVar:

ClinVar aggregate classification (germline): Benign/Likely benign. Review status: criteria provided, multiple submitters, no conflicts (2 of 4 stars). 6 submissions from 6 submitters: Benign (1); Likely benign (4). 1 of the submissions does not count toward it. Last evaluated 2026-01-19.

Conditions:
Inborn genetic diseases. Identifiers: MedGen C0950123, MeSH D030342.
CLPB-related disorder. Also called: CLPB-related condition.
3-methylglutaconic aciduria, type VIIB (MGCA7B). Also called: CLPB Deficiency; 3-methylglutaconic aciduria, type VII, with cataracts, neurologic involvement and neutropenia; 3-methylglutaconic aciduria with cataracts, neurologic involvement and neutropenia. Identifiers: Orphanet 445038, MedGen C5676893, MONDO:0014561, OMIM 616271.

Allele frequency attached by ClinVar (database versions not stated): gnomAD exomes 0.00014 and 0.00043; ExAC 0.00051; ESP Exome Variant Server 0.00154; gnomAD 0.00159 and 0.00170; TOPMed 0.00171; 1000 Genomes Project 0.00200; 1000 Genomes Project 30x 0.00203.
gnomAD v4.1: 440 of 1,612,222 alleles (0.027%); highest among the groups gnomAD compares: African/African-American, 0.55%; no homozygotes.

Submissions (6):

Labcorp Genetics (formerly Invitae), Labcorp
Classification: Benign for 3-methylglutaconic aciduria, type VIIB. Last evaluated: 2026-01-19. Review status: criteria provided, single submitter. Criteria: Invitae Variant Classification Sherloc (09022015). Collection method: clinical testing. Allele origin: germline.

Mayo Clinic Laboratories, Mayo Clinic
Classification: Likely benign. Last evaluated: 2025-09-10. Review status: criteria provided, single submitter. Criteria: ACMG Guidelines, 2015. Collection method: clinical testing. Allele origin: germline. Observed: 1 variant allele.
Comment: BS1, BP4_moderate

Ambry Genetics
Classification: Likely benign for Inborn genetic diseases. Last evaluated: 2024-10-04. Review status: criteria provided, single submitter. Criteria: Ambry Variant Classification Scheme 2023. Collection method: clinical testing. Allele origin: germline.

Blueprint Genetics
Classification: Likely benign. Last evaluated: 2024-06-10. Review status: criteria provided, single submitter. Criteria: ACMG Guidelines, 2015. Collection method: clinical testing. Allele origin: germline.

GeneDx
Classification: Likely benign. Last evaluated: 2020-08-06. Review status: criteria provided, single submitter. Criteria: GeneDx Variant Classification Process June 2021. Collection method: clinical testing. Allele origin: germline. Affected: yes.

PreventionGenetics, part of Exact Sciences
Classification: Likely benign for CLPB-related condition. Last evaluated: 2019-12-11. Review status: no assertion criteria provided. Collection method: clinical testing. Allele origin: germline. Not counted in ClinVar's aggregate classification.
Comment: This variant is classified as likely benign based on ACMG/AMP sequence variant interpretation guidelines (Richards et al. 2015 PMID: 25741868, with internal and published modifications).

NM_001258392.3(CLPB):c.349G>T (p.Ala117Ser)

Gene: CLPB (ClpB family mitochondrial disaggregase; minus strand). Cytogenetic location: 11q13.4.
Variant type: single nucleotide variant.
Coding change: c.349G>T on transcript NM_001258392.3 (MANE Select); coding-DNA position 349, G replaced by T.
Protein change: p.Ala117Ser; replaces alanine 117 with serine.
Molecular consequence: missense variant.
Genome position (GRCh38, 1-based): chr11:72,434,126, C>A on the plus strand (G>T on the coding strand, the complement: CLPB is on the minus strand). VCF-style: chr11-72434126-C-A. GRCh37 (hg19) VCF-style: chr11-72145170-C-A.
Other names: p.Ala117Ser; c.349G>T (NM_030813.3); c.349G>T, p.Ala117Ser (NM_001258393.3, NM_030813.6); c.107G>T, p.Arg36Leu (NM_001258394.3); short protein forms A117S, R36L.
Identifiers: ClinVar variation 729445 (VCV000729445.18), dbSNP rs150248137, ClinGen allele CA6171622.